The following is an entry in ClinVar:

NM_001267550.2(TTN):c.77816A>C (p.Asp25939Ala)

Genes: TTN (titin; minus strand), TTN-AS1 (TTN antisense RNA 1; plus strand). Cytogenetic location: 2q31.2.
Variant type: single nucleotide variant.
Coding change: c.77816A>C on transcript NM_001267550.2 (MANE Select); coding-DNA position 77816, A replaced by C.
Protein change: p.Asp25939Ala; replaces aspartic acid 25939 with alanine.
Molecular consequence: missense variant.
Genome position (GRCh38, 1-based): chr2:178,568,316, T>G on the plus strand (A>C on the coding strand, the complement: TTN is on the minus strand). VCF-style: chr2-178568316-T-G. GRCh37 (hg19) VCF-style: chr2-179433043-T-G.
Other names: p.Asp24298Ala; c.70112A>C, p.Asp23371Ala (NM_133378.4); c.72893A>C, p.Asp24298Ala (NM_001256850.1); c.50621A>C, p.Asp16874Ala (NM_003319.4); c.50996A>C, p.Asp16999Ala (NM_133432.3); c.51197A>C, p.Asp17066Ala (NM_133437.4); short protein forms D25939A, D23371A, D16874A, D24298A, D16999A, D17066A.
Identifiers: ClinVar variation 47362 (VCV000047362.15), dbSNP rs397517712, ClinGen allele CA140797.

ClinVar aggregate classification (germline): Conflicting classifications of pathogenicity. Review status: criteria provided, conflicting classifications (1 of 4 stars). 8 submissions from 8 submitters: Uncertain significance (7); Likely benign (1). Last evaluated 2025-09-10.

Conditions:
TTN-related disorder. Also called: TTN-related condition; TTN-related disease; TTN-related disorders.
Myopathy, myofibrillar, 9, with early respiratory failure (MFM9). Also called: Hereditary myopathy with early respiratory failure; EDSTROM MYOPATHY; MYOPATHY, PROXIMAL, WITH EARLY RESPIRATORY MUSCLE INVOLVEMENT; Myopathy, distal, with early respiratory failure, autosomal dominant. Identifiers: Orphanet 178464, Orphanet 34521, MedGen C1863599, MONDO:0011362, OMIM 603689.
Autosomal recessive limb-girdle muscular dystrophy type 2J (LGMDR10). Also called: Limb-girdle muscular dystrophy, type 2J; MUSCULAR DYSTROPHY, LIMB-GIRDLE, AUTOSOMAL RECESSIVE 10. Identifiers: Orphanet 140922, MedGen C1837342, MONDO:0012127, OMIM 608807.
Early-onset myopathy with fatal cardiomyopathy (CMYO5). Also called: Salih Myopathy; CONGENITAL MYOPATHY 5 WITH CARDIOMYOPATHY. Identifiers: Orphanet 289377, MedGen C2673677, MONDO:0012714, OMIM 611705. Disease mechanism: loss of function.
Hypertrophic cardiomyopathy 9. Also called: Familial hypertrophic cardiomyopathy 9. Identifiers: MedGen C1861065, MONDO:0013412, OMIM 613765.
Dilated cardiomyopathy 1G (CMD1G). Identifiers: Orphanet 154, MedGen C1858763, MONDO:0011400, OMIM 604145.
Tibial muscular dystrophy (TMD). Also called: Tibial muscular dystrophy, tardive; UDD MYOPATHY; Udd Distal Myopathy – Tibial Muscular Dystrophy. Identifiers: Orphanet 609, MedGen C1838244, MONDO:0010870, OMIM 600334.

Allele frequency attached by ClinVar (database versions not stated): TOPMed 0.00001; gnomAD exomes 0.00002 and 0.00005; gnomAD 0.00003 and 0.00004.
gnomAD v4.1: 76 of 1,613,330 alleles (0.0047%); highest among the groups gnomAD compares: Non-Finnish European, 0.0062%; no homozygotes.

Submissions (8):

PreventionGenetics, part of Exact Sciences
Classification: Uncertain significance for TTN-related condition. Last evaluated: 2025-09-10. Review status: criteria provided, single submitter. Criteria: ACMG Guidelines, 2015. Collection method: clinical testing. Allele origin: germline.
Comment: The TTN c.77816A>C variant is predicted to result in the amino acid substitution p.Asp25939Ala. This variant has been reported in an individual with dilated cardiomyopathy and myopathy who also had a loss of function variant in the DES gene (Reported as c.70112A>C, p.Asp23371Ala in NM_133378, Tables S1 and S3, Pugh et al. 2014. PubMed ID: 24503780). This variant is reported in 0.0039% of alleles in individuals of European (Non-Finnish) descent in gnomAD and has conflicting interpretations regarding its pathogenicity in ClinVar, ranging from likely benign to uncertain (Variation ID: 47362). At this time, the clinical significance of this variant is uncertain due to the absence of conclusive functional and genetic evidence.

Mayo Clinic Laboratories, Mayo Clinic
Classification: Uncertain significance. Last evaluated: 2025-05-04. Review status: criteria provided, single submitter. Criteria: ACMG Guidelines, 2015. Collection method: clinical testing. Allele origin: germline. Observed: 1 variant allele.
Comment: BP4_moderate

Molecular Diagnostic Laboratory for Inherited Cardiovascular Disease, Montreal Heart Institute
Classification: Likely benign. Last evaluated: 2025-04-09. Review status: criteria provided, single submitter. Criteria: ACMG Guidelines, 2015. Collection method: clinical testing. Allele origin: germline. Affected: no.

Women's Health and Genetics/Laboratory Corporation of America, LabCorp
Classification: Uncertain significance. Last evaluated: 2025-02-10. Review status: criteria provided, single submitter. Criteria: LabCorp Variant Classification Summary - May 2015. Collection method: clinical testing. Allele origin: germline.
Comment: Variant summary: TTN c.70112A>C (p.Asp23371Ala) results in a non-conservative amino acid change in the encoded protein sequence. Two of four in-silico tools predict a benign effect of the variant on protein function. The variant allele was found at a frequency of 2e-05 in 248516 control chromosomes. The available data on variant occurrences in the general population are insufficient to allow any conclusion about variant significance. c.70112A>C has been reported in the literature in at least one individuals affected with DCM and myopathy with positive family history in the presence of alternate pathogenic variant(s) (e.g. Pugh_2014). These report(s) do not provide unequivocal conclusions about association of the variant with Dilated Cardiomyopathy. To our knowledge, no experimental evidence demonstrating an impact on protein function has been reported. The following publication has been ascertained in the context of this evaluation (PMID: 24503780). ClinVar contains an entry for this variant (Variation ID: 47362). Based on the evidence outlined above, the variant was classified as uncertain significance.

Fulgent Genetics
Classification: Uncertain significance for Tibial muscular dystrophy; Myopathy, myofibrillar, 9, with early respiratory failure; Dilated cardiomyopathy 1G; Autosomal recessive limb-girdle muscular dystrophy type 2J; Early-onset myopathy with fatal cardiomyopathy; Hypertrophic cardiomyopathy 9. Last evaluated: 2021-08-16. Review status: criteria provided, single submitter. Criteria: ACMG Guidelines, 2015. Collection method: clinical testing. Allele origin: unknown.

GeneDx
Classification: Uncertain significance. Last evaluated: 2020-09-09. Review status: criteria provided, single submitter. Criteria: GeneDx Variant Classification Process June 2021. Collection method: clinical testing. Allele origin: germline. Affected: yes.
Comment: Reported in ClinVar as a variant of uncertain significance (ClinVar Variant ID# 47362; Landrum et al., 2016); Not observed at a significant frequency in large population cohorts (Lek et al., 2016); Missense variant in a gene in which most reported pathogenic variants are truncating/loss-of-function; This variant is associated with the following publications: (PMID: 24503780)

Labcorp Genetics (formerly Invitae), Labcorp
Classification: Uncertain significance for Dilated cardiomyopathy 1G; Autosomal recessive limb-girdle muscular dystrophy type 2J. Last evaluated: 2017-07-01. Review status: criteria provided, single submitter. Criteria: Invitae Variant Classification Sherloc (09022015). Collection method: clinical testing. Allele origin: germline.

Laboratory for Molecular Medicine, Mass General Brigham Personalized Medicine
Classification: Uncertain significance. Last evaluated: 2012-10-02. Review status: criteria provided, single submitter. Criteria: LMM Criteria. Collection method: clinical testing. Allele origin: germline. Observed: 1 variant allele.
Comment: The Asp23371Ala variant in TTN has not been reported in the literature nor previ ously identified by our laboratory. Computational analyses (biochemical amino ac id properties, conservation, AlignGVGD, and PolyPhen2) suggest that the variant may not impact the protein, though this information is not predictive enough to rule out pathogenicity. Additional information is needed to fully assess the cli nical significance of this variant.

Literature cited by the submitters: PubMed 24503780 (cited by Women's Health and Genetics/Laboratory Corporation of America, LabCorp).